The following is an entry in ClinVar:

NM_001365951.3(KIF1B):c.101C>T (p.Ser34Leu)

Genes: KIF1B (kinesin family member 1B; plus strand), LOC129388446 (MPRA-validated peak64 silencer; plus strand). Cytogenetic location: 1p36.22.
Variant type: single nucleotide variant.
Coding change: c.101C>T on transcript NM_001365951.3 (MANE Select); coding-DNA position 101, C replaced by T.
Protein change: p.Ser34Leu; replaces serine 34 with leucine.
Molecular consequence: missense variant.
Genome position (GRCh38, 1-based): chr1:10,232,429, C>T. VCF-style: chr1-10232429-C-T. GRCh37 (hg19) VCF-style: chr1-10292487-C-T.
Other names: c.101C>T, p.Ser34Leu (NM_001365952.1, NM_001365953.1, NM_015074.3 and 1 more transcripts); short protein forms S34L.
Identifiers: ClinVar variation 1327573 (VCV001327573.8), dbSNP rs1269940164, ClinGen allele CA338316578.

ClinVar aggregate classification (germline): Uncertain significance. Review status: criteria provided, multiple submitters, no conflicts (2 of 4 stars). 3 submissions from 3 submitters: Uncertain significance (3). Last evaluated 2025-06-19.

Conditions:
Charcot-Marie-Tooth disease type 2. Also called: Charcot-Marie-Tooth type 2. Identifiers: Orphanet 64746, MedGen C0270914, MONDO:0018993.
Pheochromocytoma. Also called: MAX-Related Hereditary Paraganglioma-Pheochromocytoma Syndrome. Identifiers: Orphanet 29072, MedGen C0031511, MONDO:0008233, OMIM 171300, HP:0002666.

Allele frequency attached by ClinVar (database versions not stated): TOPMed 0.00001; gnomAD 0.00001.
gnomAD v4.1: 5 of 1,606,548 alleles (0.00031%); highest among the groups gnomAD compares: South Asian, 0.0033%; no homozygotes.

Submissions (3):

Ambry Genetics
Classification: Uncertain significance. Last evaluated: 2025-06-19. Review status: criteria provided, single submitter. Criteria: Ambry Variant Classification Scheme 2023. Collection method: clinical testing. Allele origin: germline.
Comment: The p.S34L variant (also known as c.101C>T), located in coding exon 1 of the KIF1B gene, results from a C to T substitution at nucleotide position 101. The serine at codon 34 is replaced by leucine, an amino acid with dissimilar properties. This amino acid position is conserved. In addition, the in silico prediction for this alteration is inconclusive. Since supporting evidence is limited at this time, the clinical significance of this alteration remains unclear.

Labcorp Genetics (formerly Invitae), Labcorp
Classification: Uncertain significance for Charcot-Marie-Tooth disease type 2. Last evaluated: 2024-08-01. Review status: criteria provided, single submitter. Criteria: Invitae Variant Classification Sherloc (09022015). Collection method: clinical testing. Allele origin: germline.
Comment: This sequence change replaces serine, which is neutral and polar, with leucine, which is neutral and non-polar, at codon 34 of the KIF1B protein (p.Ser34Leu). This variant is not present in population databases (gnomAD no frequency). This variant has not been reported in the literature in individuals affected with KIF1B-related conditions. ClinVar contains an entry for this variant (Variation ID: 1327573). Advanced modeling of protein sequence and biophysical properties (such as structural, functional, and spatial information, amino acid conservation, physicochemical variation, residue mobility, and thermodynamic stability) performed at Invitae indicates that this missense variant is not expected to disrupt KIF1B protein function with a negative predictive value of 80%. Experimental studies have shown that this missense change affects KIF1B function (PMID: 18334619). In summary, the available evidence is currently insufficient to determine the role of this variant in disease. Therefore, it has been classified as a Variant of Uncertain Significance.

St. Jude Molecular Pathology, St. Jude Children's Research Hospital
Classification: Uncertain significance for Pheochromocytoma. Last evaluated: 2021-11-17. Review status: criteria provided, single submitter. Criteria: St. Jude Assertion Criteria 2020. Collection method: clinical testing. Allele origin: germline.
Comment: The KIF1B c.101C>T (p.Ser34Leu) missense change has a maximum subpopulation frequency of 0.0033% in gnomAD v2.1.1. This variant occurs in a gene where missense variants are more likely to be damaging based on methods described by Lek et al. (PP2; PMID: 27535533). In silico tools are not in agreement about the effect of this variant on protein function, but to our knowledge these predictions have not been confirmed by functional assays. In summary, this variant meets criteria to be classified as of uncertain significance based on the ACMG/AMP criteria: PP2.

Literature cited by the submitters: PubMed 18334619 (cited by Labcorp Genetics (formerly Invitae), Labcorp).